The following is an entry in ClinVar:

NM_032578.4(MYPN):c.-49G>A

Gene: MYPN (myopalladin; plus strand). Cytogenetic location: 10q21.3.
Variant type: single nucleotide variant.
Coding change: c.-49G>A on transcript NM_032578.4 (MANE Select); 49 bases upstream of the start codon, G replaced by A.
Molecular consequence: 5 prime UTR variant. On other transcripts: non-coding transcript variant (1).
Genome position (GRCh38, 1-based): chr10:68,109,676, G>A. VCF-style: chr10-68109676-G-A. GRCh37 (hg19) VCF-style: chr10-69869433-G-A.
Other names: c.-49G>A (NM_001256267.2); c.-1235G>A (NM_001256268.2).
Identifiers: ClinVar variation 515937 (VCV000515937.1), dbSNP rs1161034292, ClinGen allele CA594251991.
Genomic context (GRCh38, chr10:68,109,676, plus strand): 5'-TTTCCCTCTTCTCCTGTGCTTTCATCTAAAAGTTCTCCCTGGATAATTATCATTGCAGTG[G>A]AGTGCCTGGATTGGACATCCTCATCTGGGTCAACTAAAAAAAGAAAGGTAATATCCAGAT-3'

ClinVar aggregate classification (germline): Likely benign (1 of 4 stars; one submission).

Allele frequency attached by ClinVar (database versions not stated): TOPMed 0.00001; gnomAD exomes 0.00002.
gnomAD v4.1: 5 of 454,000 alleles (0.0011%); highest among the groups gnomAD compares: Non-Finnish European, 0.0022%; no homozygotes.

Submission:

GeneDx
Classification: Likely benign. Last evaluated: 2018-03-12. Review status: criteria provided, single submitter. Criteria: GeneDx Variant Classification (06012015). Collection method: clinical testing. Allele origin: germline. Affected: yes.
Comment: This variant is considered likely benign or benign based on one or more of the following criteria: it is a conservative change, it occurs at a poorly conserved position in the protein, it is predicted to be benign by multiple in silico algorithms, and/or has population frequency not consistent with disease.